The following is an entry in ClinVar:

ClinVar aggregate classification (germline): Uncertain significance (1 of 4 stars; one submission).

Submission:

GeneDx
Classification: Uncertain significance. Last evaluated: 2025-06-30. Review status: criteria provided, single submitter. Criteria: GeneDx Variant Classification Process June 2021. Collection method: clinical testing. Allele origin: germline. Affected: yes.
Comment: Not observed at significant frequency in large population cohorts (gnomAD); Stop codon loss and change to a tryptophan codon, leading to protein extension and the addition of 8 amino acid(s) at the C-terminus; Has not been previously published as pathogenic or benign to our knowledge

NM_001291415.2(KDM6A):c.4362A>G (p.Ter1454Trp)

Gene: KDM6A (lysine demethylase 6A; plus strand). Cytogenetic location: Xp11.3.
Variant type: single nucleotide variant.
Coding change: c.4362A>G on transcript NM_001291415.2 (MANE Select); coding-DNA position 4362, A replaced by G.
Protein change: p.Ter1454Trp.
Molecular consequence: stop lost. On other transcripts: non-coding transcript variant (1).
Genome position (GRCh38, 1-based): chrX:45,111,411, A>G. VCF-style: chrX-45111411-A-G. GRCh37 (hg19) VCF-style: chrX-44970656-A-G.
Other names: c.4227A>G, p.Ter1409Trp (NM_001291416.2); c.4071A>G, p.Ter1357Trp (NM_001291417.2); c.3969A>G, p.Ter1323Trp (NM_001291418.2); c.3318A>G, p.Ter1106Trp (NM_001291421.2); c.4104A>G, p.Ter1368Trp (NM_001410742.1); c.4470A>G, p.Ter1490Trp (NM_001419809.1); c.4368A>G, p.Ter1456Trp (NM_001419810.1); c.4335A>G, p.Ter1445Trp (NM_001419811.1); and 5 more.
Identifiers: ClinVar variation 4681079 (VCV004681079.1).
Genomic context (GRCh38, chrX:45,111,411, plus strand): 5'-TCAAAATAACCTACCTTACTTTTATTTTCAGGCTCCTCCATTACCATCCGCCTCATCTTG[A>G]TATTGTTCCATGGACATTAAATGAGACCTTTTCTGCTATTCAGGAAATAACCCAGTTCTG-3'